The following is an entry in ClinVar:

ClinVar aggregate classification (germline): Likely benign. Review status: criteria provided, multiple submitters, no conflicts (2 of 4 stars). 2 submissions from 2 submitters: Likely benign (2). Last evaluated 2025-04-07.

Conditions:
Glycogen storage disease, type V (GSD5). Also called: McArdle type glycogen storage disease; MCARDLE DISEASE; MUSCLE GLYCOGEN PHOSPHORYLASE DEFICIENCY; MYOPHOSPHORYLASE DEFICIENCY; PYGM DEFICIENCY. Identifiers: Orphanet 368, MedGen C0017924, MONDO:0009293, OMIM 232600.

Submissions (2):

Labcorp Genetics (formerly Invitae), Labcorp
Classification: Likely benign for Glycogen storage disease, type V. Last evaluated: 2025-04-07. Review status: criteria provided, single submitter. Criteria: Invitae Variant Classification Sherloc (09022015). Collection method: clinical testing. Allele origin: germline.

GeneDx
Classification: Likely benign. Last evaluated: 2017-06-16. Review status: criteria provided, single submitter. Criteria: GeneDx Variant Classification (06012015). Collection method: clinical testing. Allele origin: germline. Affected: yes.
Comment: This variant is considered likely benign or benign based on one or more of the following criteria: it is a conservative change, it occurs at a poorly conserved position in the protein, it is predicted to be benign by multiple in silico algorithms, and/or has population frequency not consistent with disease.

NM_005609.4(PYGM):c.660+13_660+15del

Gene: PYGM (glycogen phosphorylase, muscle associated; minus strand). Cytogenetic location: 11q13.1.
Variant type: Deletion.
Coding change: c.660+13_660+15del on transcript NM_005609.4 (MANE Select); bases 13 to 15 of the intron after coding-DNA position 660, 3 bases deleted (CTG; older notation c.660+13_660+15delCTG).
Molecular consequence: intron variant.
Genome position (GRCh38, 1-based): chr11:64,757,764-64,757,766, CAG deleted on the plus strand (CTG on the coding strand, the reverse complement: PYGM is on the minus strand); deleting any 3 consecutive bases within chr11:64,757,764-64,757,767 gives the same sequence; the c. name uses the placement nearest the transcript's 3' end. VCF-style (leftmost placement, unchanged base first): chr11-64757763-CCAG-C. GRCh37 (hg19) VCF-style: chr11-64525235-CCAG-C.
Other names: c.660+13_660+15delCTG (NM_005609.2); c.396+13_396+15del (NM_001164716.1).
Identifiers: ClinVar variation 509781 (VCV000509781.5), dbSNP rs760532304, ClinGen allele CA6080178.